The following is an entry in ClinVar:

ClinVar aggregate classification (germline): Pathogenic (1 of 4 stars; one submission).

Conditions:
Ehlers-Danlos syndrome, classic type, 1 (EDSCL1). Also called: EHLERS-DANLOS SYNDROME, GRAVIS TYPE; EHLERS-DANLOS SYNDROME, SEVERE CLASSIC TYPE; EDS I; Ehlers-Danlos Syndrome, Classic Type, COL5A1-Related; Ehlers-Danlos syndrome, type 1. Identifiers: MedGen C0268335, MONDO:0019567, OMIM 130000.

Submission:

Labcorp Genetics (formerly Invitae), Labcorp
Classification: Pathogenic for Ehlers-Danlos syndrome, classic type, 1. Last evaluated: 2017-05-22. Review status: criteria provided, single submitter. Criteria: Invitae Variant Classification Sherloc (09022015). Collection method: clinical testing. Allele origin: germline.
Comment: This variant is not present in population databases (ExAC no frequency). This sequence change creates a premature translational stop signal (p.Ala1070Serfs*8) in the COL5A1 gene. It is expected to result in an absent or disrupted protein product. This variant has not been reported in the literature in individuals with a COL5A1-related disease. For these reasons, this variant has been classified as Pathogenic. Loss-of-function variants in COL5A1 are known to be pathogenic (PMID: 23587214).

Literature cited by the submitters: PubMed 23587214.

NC_000009.12:g.134805162dup

Gene: COL5A1 (collagen type V alpha 1 chain; plus strand). Cytogenetic location: 9q34.3.
Variant type: Duplication.
Genome position: GRCh38 VCF-style: chr9-134805159-A-AG. GRCh37 (hg19) VCF-style: chr9-137697005-A-AG.
Other names: c.3206dup (LRG_737t1).
Identifiers: ClinVar variation 459671 (VCV000459671.8), dbSNP rs1554803622, ClinGen allele CA658657943.